The following is an entry in ClinVar:

ClinVar aggregate classification (germline): Pathogenic. Review status: criteria provided, multiple submitters, no conflicts (2 of 4 stars). 2 submissions from 2 submitters: Pathogenic (2). Last evaluated 2025-06-08.

Conditions:
Autosomal recessive limb-girdle muscular dystrophy type 2B (LGMDR2). Also called: Limb-Girdle Muscular Dystrophy Type 2B (LGMD2B); MUSCULAR DYSTROPHY, LIMB-GIRDLE, TYPE 3; Limb-girdle muscular dystrophy, type 2B; MUSCULAR DYSTROPHY, LIMB-GIRDLE, AUTOSOMAL RECESSIVE 2. Identifiers: Orphanet 268, MedGen C1850889, MONDO:0009676, OMIM 253601.
Neuromuscular disease caused by qualitative or quantitative defects of dysferlin. Also called: Qualitative or quantitative defects of dysferlin; Dysferlinopathy. Identifiers: Orphanet 207073, MedGen C2931687, MONDO:0016145.

gnomAD v4.1: 1 of 1,614,136 alleles (0.000062%); highest among the groups gnomAD compares: Non-Finnish European, 0.000085%; no homozygotes.

Submissions (2):

Natera, Inc.
Classification: Pathogenic for Limb-girdle muscular dystrophy type 2B. Last evaluated: 2025-06-08. Review status: criteria provided, single submitter. Criteria: Natera Variant Classification Schema (03/2026). Collection method: clinical testing. Allele origin: germline.
Comment: The c.2996G>A variant in DYSF is a nonsense variant predicted to introduce a stop codon at amino acid 999. This variant is expected to result in nonsense mediated decay, truncation, or a dysfunctional protein product. This variant is rare in the general population with a frequency below the threshold expected for the associated phenotype(s). This variant has been observed in one or more individuals affected with the associated recessive disease, as either homozygous or compound heterozygous with a second variant (PMID: 37852290). Given the available evidence, this variant is classified as Pathogenic.

Labcorp Genetics (formerly Invitae), Labcorp
Classification: Pathogenic for Neuromuscular disease caused by qualitative or quantitative defects of dysferlin. Last evaluated: 2024-02-17. Review status: criteria provided, single submitter. Criteria: Invitae Variant Classification Sherloc (09022015). Collection method: clinical testing. Allele origin: germline.
Comment: This sequence change creates a premature translational stop signal (p.Trp999*) in the DYSF gene. It is expected to result in an absent or disrupted protein product. Loss-of-function variants in DYSF are known to be pathogenic (PMID: 17698709, 20301480). This variant is not present in population databases (gnomAD no frequency). This premature translational stop signal has been observed in individual(s) with clinical features of DYSF-related conditions (PMID: 23519732, 31268554). ClinVar contains an entry for this variant (Variation ID: 1392298). For these reasons, this variant has been classified as Pathogenic.

Literature cited by the submitters: PubMed 37852290 (cited by Natera, Inc.); PubMed 17698709 (cited by Labcorp Genetics (formerly Invitae), Labcorp); PubMed 20301480 (cited by Labcorp Genetics (formerly Invitae), Labcorp); PubMed 23519732 (cited by Labcorp Genetics (formerly Invitae), Labcorp); PubMed 31268554 (cited by Labcorp Genetics (formerly Invitae), Labcorp).

NM_001130987.2(DYSF):c.3050G>A (p.Trp1017Ter)

Gene: DYSF (dysferlin; plus strand). Cytogenetic location: 2p13.2.
Variant type: single nucleotide variant.
Coding change: c.3050G>A on transcript NM_001130987.2 (MANE Select); coding-DNA position 3050, G replaced by A.
Protein change: p.Trp1017Ter; replaces tryptophan 1017 with a stop codon.
Molecular consequence: nonsense.
Genome position (GRCh38, 1-based): chr2:71,570,299, G>A. VCF-style: chr2-71570299-G-A. GRCh37 (hg19) VCF-style: chr2-71797429-G-A.
Other names: c.2999G>A, p.Trp1000Ter (NM_001130455.2, NM_001130983.2); c.2954G>A, p.Trp985Ter (NM_001130976.2, NM_001130977.2); c.2996G>A, p.Trp999Ter (NM_001130978.2, NM_003494.4); c.3089G>A, p.Trp1030Ter (NM_001130979.2); c.3047G>A, p.Trp1016Ter (NM_001130980.2, NM_001130981.2); c.3092G>A, p.Trp1031Ter (NM_001130982.2); c.2957G>A, p.Trp986Ter (NM_001130984.2, NM_001130986.2); c.3050G>A, p.Trp1017Ter (NM_001130985.2); and 1 more; short protein forms W1000*, W1016*, W1031*, W985*, W986*, W1030*, W1017*, W999*.
Identifiers: ClinVar variation 1392298 (VCV001392298.9), dbSNP rs2152814618, ClinGen allele CA347216644.